The following is an entry in ClinVar:

ClinVar aggregate classification (germline): Pathogenic/Likely pathogenic. Review status: criteria provided, multiple submitters, no conflicts (2 of 4 stars). 2 submissions from 2 submitters: Pathogenic (1); Likely pathogenic (1). Last evaluated 2025-01-09.

Conditions:
Usher syndrome type 3A (USH3A). Also called: USHER SYNDROME, TYPE IIIA. Identifiers: MedGen C5779850, MONDO:0010170, OMIM 276902.
Retinitis pigmentosa 61 (RP61). Identifiers: Orphanet 791, MedGen C3280041, MONDO:0013610, OMIM 614180.

Submissions (2):

Institute of Rare Diseases, West China Hospital, Sichuan University
Classification: Pathogenic for Usher syndrome type 3A. Last evaluated: 2025-01-09. Review status: criteria provided, single submitter. Criteria: ClinGen HL ACMG Specifications v1. Collection method: research. Allele origin: germline. Affected: yes.
Comment: PVS1;PM3_Supporting;PM2_Supporting

Juno Genomics, Hangzhou Juno Genomics, Inc
Classification: Likely pathogenic for Usher syndrome type 3A; Retinitis pigmentosa 61. Review status: criteria provided, single submitter. Criteria: ACMG Guidelines, 2015. Collection method: clinical testing. Allele origin: germline.
Comment: Null variant in a gene where loss of function (LOF) is a known mechanism of disease.;Absent from controls (or at extremely low frequency if recessive) in Genome Aggregation Database.

NM_174878.3(CLRN1):c.227del (p.Leu76fs)

Gene: CLRN1 (clarin 1; minus strand). Cytogenetic location: 3q25.1.
Variant type: Deletion.
Coding change: c.227del on transcript NM_174878.3 (MANE Select); coding-DNA position 227, one base deleted (T; older notation c.227delT).
Protein change: p.Leu76fs; shifts the reading frame from leucine 76.
Molecular consequence: frameshift variant. On other transcripts: non-coding transcript variant (1).
Genome position (GRCh38, 1-based): chr3:150,972,482, A deleted on the plus strand (T on the coding strand, the reverse complement: CLRN1 is on the minus strand); the first of 2 consecutive A bases (chr3:150,972,482-150,972,483); deleting either gives the same sequence. VCF-style (leftmost placement, unchanged base first): chr3-150972481-CA-C. GRCh37 (hg19) VCF-style: chr3-150690268-CA-C.
Other names: c.227del, p.Leu76fs (NM_001195794.1, NM_001256819.2); short protein forms L76fs.
Identifiers: ClinVar variation 3601046 (VCV003601046.3).